The following is an entry in ClinVar:

ClinVar aggregate classification (germline): Uncertain significance (1 of 4 stars; one submission).

Submission:

Labcorp Genetics (formerly Invitae), Labcorp
Classification: Uncertain significance. Last evaluated: 2024-10-24. Review status: criteria provided, single submitter. Criteria: Invitae Variant Classification Sherloc (09022015). Collection method: clinical testing. Allele origin: germline.
Comment: This sequence change replaces arginine, which is basic and polar, with glycine, which is neutral and non-polar, at codon 420 of the GABRB1 protein (p.Arg420Gly). This variant is not present in population databases (gnomAD no frequency). This variant has not been reported in the literature in individuals affected with GABRB1-related conditions. Invitae Evidence Modeling of protein sequence and biophysical properties (such as structural, functional, and spatial information, amino acid conservation, physicochemical variation, residue mobility, and thermodynamic stability) indicates that this missense variant is not expected to disrupt GABRB1 protein function with a negative predictive value of 80%. In summary, the available evidence is currently insufficient to determine the role of this variant in disease. Therefore, it has been classified as a Variant of Uncertain Significance.

NM_000812.4(GABRB1):c.1258C>G (p.Arg420Gly)

Gene: GABRB1 (gamma-aminobutyric acid type A receptor subunit beta1; plus strand). Cytogenetic location: 4p12.
Variant type: single nucleotide variant.
Coding change: c.1258C>G on transcript NM_000812.4 (MANE Select); coding-DNA position 1258, C replaced by G.
Protein change: p.Arg420Gly; replaces arginine 420 with glycine.
Molecular consequence: missense variant.
Genome position (GRCh38, 1-based): chr4:47,425,851, C>G. VCF-style: chr4-47425851-C-G. GRCh37 (hg19) VCF-style: chr4-47427868-C-G.
Other names: short protein forms R420G.
Identifiers: ClinVar variation 3668600 (VCV003668600.2).